The following is an entry in ClinVar:

NM_001130987.2(DYSF):c.2983G>A (p.Gly995Arg)

Gene: DYSF (dysferlin; plus strand). Cytogenetic location: 2p13.2.
Variant type: single nucleotide variant.
Coding change: c.2983G>A on transcript NM_001130987.2 (MANE Select); coding-DNA position 2983, G replaced by A.
Protein change: p.Gly995Arg; replaces glycine 995 with arginine.
Molecular consequence: missense variant.
Genome position (GRCh38, 1-based): chr2:71,570,232, G>A. VCF-style: chr2-71570232-G-A. GRCh37 (hg19) VCF-style: chr2-71797362-G-A.
Other names: c.2932G>A, p.Gly978Arg (NM_001130455.2, NM_001130983.2); c.2887G>A, p.Gly963Arg (NM_001130976.2, NM_001130977.2); c.2929G>A, p.Gly977Arg (NM_001130978.2, NM_003494.4); c.3022G>A, p.Gly1008Arg (NM_001130979.2); c.2980G>A, p.Gly994Arg (NM_001130980.2, NM_001130981.2); c.3025G>A, p.Gly1009Arg (NM_001130982.2); c.2890G>A, p.Gly964Arg (NM_001130984.2, NM_001130986.2); c.2983G>A, p.Gly995Arg (NM_001130985.2); short protein forms G977R, G995R, G994R, G1009R, G978R, G1008R, G963R, G964R.
Identifiers: ClinVar variation 501635 (VCV000501635.7), dbSNP rs778427145, ClinGen allele CA1706363.

ClinVar aggregate classification (germline): Uncertain significance. Review status: criteria provided, multiple submitters, no conflicts (2 of 4 stars). 2 submissions from 2 submitters: Uncertain significance (2). Last evaluated 2025-01-17.

Conditions:
Neuromuscular disease caused by qualitative or quantitative defects of dysferlin. Also called: Dysferlinopathy; Qualitative or quantitative defects of dysferlin. Identifiers: Orphanet 207073, MedGen C2931687, MONDO:0016145.

Allele frequency attached by ClinVar (database versions not stated): gnomAD 0.00001; TOPMed 0.00001.
gnomAD v4.1: 27 of 1,613,890 alleles (0.0017%); highest among the groups gnomAD compares: South Asian, 0.0033%; no homozygotes.

Submissions (2):

Labcorp Genetics (formerly Invitae), Labcorp
Classification: Uncertain significance for Neuromuscular disease caused by qualitative or quantitative defects of dysferlin. Last evaluated: 2025-01-17. Review status: criteria provided, single submitter. Criteria: Invitae Variant Classification Sherloc (09022015). Collection method: clinical testing. Allele origin: germline.
Comment: This sequence change replaces glycine, which is neutral and non-polar, with arginine, which is basic and polar, at codon 977 of the DYSF protein (p.Gly977Arg). This variant is present in population databases (rs778427145, gnomAD 0.006%). This variant has not been reported in the literature in individuals affected with DYSF-related conditions. ClinVar contains an entry for this variant (Variation ID: 501635). Invitae Evidence Modeling of protein sequence and biophysical properties (such as structural, functional, and spatial information, amino acid conservation, physicochemical variation, residue mobility, and thermodynamic stability) has been performed for this missense variant. However, the output from this modeling did not meet the statistical confidence thresholds required to predict the impact of this variant on DYSF protein function. Algorithms developed to predict the effect of sequence changes on RNA splicing suggest that this variant may create or strengthen a splice site. In summary, the available evidence is currently insufficient to determine the role of this variant in disease. Therefore, it has been classified as a Variant of Uncertain Significance.

Eurofins Ntd Llc (ga)
Classification: Uncertain significance. Last evaluated: 2017-04-26. Review status: criteria provided, single submitter. Criteria: EGL Classification Definitions 2015. Collection method: clinical testing. Allele origin: germline. Observed: 1 variant allele, 1 homozygote.